The following is an entry in ClinVar:

ClinVar aggregate classification (germline): Pathogenic/Likely pathogenic. Review status: criteria provided, multiple submitters, no conflicts (2 of 4 stars). 2 submissions from 2 submitters: Pathogenic (1); Likely pathogenic (1). Last evaluated 2023-06-02.

Conditions:
Fanconi anemia complementation group O. Also called: RAD51C-Related Fanconi Anemia. Identifiers: Orphanet 84, MedGen C3150653, MONDO:0013248, OMIM 613390.
Breast-ovarian cancer, familial, susceptibility to, 3. Also called: RAD51C-Related Breast/Ovarian Cancer. Identifiers: Orphanet 145, MedGen C3150659, MONDO:0013253, OMIM 613399.

Submissions (2):

Labcorp Genetics (formerly Invitae), Labcorp
Classification: Pathogenic for Fanconi anemia complementation group O. Last evaluated: 2023-06-02. Review status: criteria provided, single submitter. Criteria: Invitae Variant Classification Sherloc (09022015). Collection method: clinical testing. Allele origin: germline.
Comment: ClinVar contains an entry for this variant (Variation ID: 1455900). Algorithms developed to predict the effect of sequence changes on RNA splicing suggest that this variant may disrupt the consensus splice site. For these reasons, this variant has been classified as Pathogenic. This variant has not been reported in the literature in individuals affected with RAD51C-related conditions. This sequence change creates a premature translational stop signal (p.Ala57Profs*2) in the RAD51C gene. It is expected to result in an absent or disrupted protein product. Loss-of-function variants in RAD51C are known to be pathogenic (PMID: 20400964, 21990120, 24800917, 29278735). This variant is not present in population databases (gnomAD no frequency).

Baylor Genetics
Classification: Likely pathogenic for Breast-ovarian cancer, familial, susceptibility to, 3. Last evaluated: 2021-04-06. Review status: criteria provided, single submitter. Criteria: ACMG Guidelines, 2015. Collection method: clinical testing. Allele origin: unknown.

Literature cited by the submitters: PubMed 20400964 (cited by Labcorp Genetics (formerly Invitae), Labcorp); PubMed 21990120 (cited by Labcorp Genetics (formerly Invitae), Labcorp); PubMed 24800917 (cited by Labcorp Genetics (formerly Invitae), Labcorp); PubMed 29278735 (cited by Labcorp Genetics (formerly Invitae), Labcorp).

NM_058216.3(RAD51C):c.168del (p.Ala57fs)

Gene: RAD51C (RAD51 paralog C; plus strand). Cytogenetic location: 17q22.
Variant type: Deletion.
Coding change: c.168del on transcript NM_058216.3 (MANE Select); coding-DNA position 168, one base deleted (A; older notation c.168delA).
Protein change: p.Ala57fs; shifts the reading frame from alanine 57.
Molecular consequence: frameshift variant. On other transcripts: non-coding transcript variant (2).
Genome position (GRCh38, 1-based): chr17:58,694,953, A deleted; the last of 2 consecutive A bases (chr17:58,694,952-58,694,953); deleting either gives the same sequence. VCF-style (leftmost placement, unchanged base first): chr17-58694951-GA-G. GRCh37 (hg19) VCF-style: chr17-56772312-GA-G.
Other names: c.168del, p.Ala57fs (NM_002876.4); short protein forms A57fs.
Identifiers: ClinVar variation 1455900 (VCV001455900.7), dbSNP rs2143717943, ClinGen allele CA2573154406.